The following is an entry in ClinVar:

ClinVar aggregate classification (germline): Uncertain significance (1 of 4 stars; one submission).

gnomAD v4.1: 10 of 1,613,874 alleles (0.00062%); highest among the groups gnomAD compares: East Asian, 0.0045%; no homozygotes.

Submission:

Labcorp Genetics (formerly Invitae), Labcorp
Classification: Uncertain significance. Last evaluated: 2025-10-12. Review status: criteria provided, single submitter. Criteria: Invitae Variant Classification Sherloc (09022015). Collection method: clinical testing. Allele origin: germline.
Comment: This sequence change replaces isoleucine, which is neutral and non-polar, with threonine, which is neutral and polar, at codon 121 of the SGMS2 protein (p.Ile121Thr). This variant is present in population databases (no rsID available, gnomAD 0.01%). This variant has not been reported in the literature in individuals affected with SGMS2-related conditions. Invitae Evidence Modeling of protein sequence and biophysical properties (such as structural, functional, and spatial information, amino acid conservation, physicochemical variation, residue mobility, and thermodynamic stability) indicates that this missense variant is not expected to disrupt SGMS2 protein function with a negative predictive value of 80%. In summary, the available evidence is currently insufficient to determine the role of this variant in disease. Therefore, it has been classified as a Variant of Uncertain Significance.

NM_001375905.1(SGMS2):c.362T>C (p.Ile121Thr)

Genes: CYP2U1-AS1 (CYP2U1 and SGMS2 antisense RNA 1; minus strand), SGMS2 (sphingomyelin synthase 2; plus strand). Cytogenetic location: 4q25.
Variant type: single nucleotide variant.
Coding change: c.362T>C on transcript NM_001375905.1 (MANE Select); coding-DNA position 362, T replaced by C.
Protein change: p.Ile121Thr; replaces isoleucine 121 with threonine.
Molecular consequence: missense variant. On other transcripts: intron variant (1).
Genome position (GRCh38, 1-based): chr4:107,895,915, T>C. VCF-style: chr4-107895915-T-C. GRCh37 (hg19) VCF-style: chr4-108817071-T-C.
Other names: c.362T>C, p.Ile121Thr (NM_001136257.2, NM_001136258.2, NM_001375906.1 and 4 more transcripts); c.-64-3660T>C (NM_001375911.1); short protein forms I121T.
Identifiers: ClinVar variation 4710907 (VCV004710907.1).
Genomic context (GRCh38, chr4:107,895,915, plus strand): 5'-ATGAGAGGGTCCCTCCCAAGGAGCTTAGCCCTCCACTCCCAGACAAGTTTTTTGATTACA[T>C]TGATAGGGTGAAATGGGCATTTTCTGTATCAGAAATAAATGGGATTATATTAGTTGGATT-3'
Protein context (NP_001362834.1, residues 111-131): PPLPDKFFDY[Ile121Thr]DRVKWAFSVS